The following is an entry in ClinVar:

ClinVar aggregate classification (germline): Benign/Likely benign. Review status: criteria provided, multiple submitters, no conflicts (2 of 4 stars). 3 submissions from 3 submitters: Benign (1); Likely benign (2). Last evaluated 2026-07-01.

Allele frequency attached by ClinVar (database versions not stated): gnomAD 0.00001 and 0.00013; TOPMed 0.00003; 1000 Genomes Project 30x 0.00016; 1000 Genomes Project 0.00020; gnomAD exomes 0.00020 and 0.00037; ExAC 0.00044.
gnomAD v4.1: 309 of 1,614,156 alleles (0.019%); highest among the groups gnomAD compares: South Asian, 0.32%; 6 homozygotes.

Submissions (3):

CeGaT Center for Human Genetics Tuebingen
Classification: Likely benign. Last evaluated: 2026-07-01. Review status: criteria provided, single submitter. Criteria: CeGaT Center For Human Genetics Tuebingen Variant Classification Criteria Version 2. Collection method: clinical testing. Allele origin: germline. Affected: yes. Observed: 2 variant alleles.
Comment: FAT4: BP4, BP7

Labcorp Genetics (formerly Invitae), Labcorp
Classification: Benign. Last evaluated: 2026-01-12. Review status: criteria provided, single submitter. Criteria: Invitae Variant Classification Sherloc (09022015). Collection method: clinical testing. Allele origin: germline.

Blueprint Genetics
Classification: Likely benign. Last evaluated: 2024-01-18. Review status: criteria provided, single submitter. Criteria: ACMG Guidelines, 2015. Collection method: clinical testing. Allele origin: germline.

NM_001291303.3(FAT4):c.11034T>C (p.Asp3678=)

Gene: FAT4 (FAT atypical cadherin 4; plus strand). Cytogenetic location: 4q28.1.
Variant type: single nucleotide variant.
Coding change: c.11034T>C on transcript NM_001291303.3 (MANE Select); coding-DNA position 11034, T replaced by C.
Protein change: p.Asp3678=; no amino-acid change (aspartic acid 3678 retained).
Molecular consequence: synonymous variant.
Genome position (GRCh38, 1-based): chr4:125,452,044, T>C. VCF-style: chr4-125452044-T-C. GRCh37 (hg19) VCF-style: chr4-126373199-T-C.
Other names: c.11034T>C, p.Asp3678= (NM_001291285.3); c.11028T>C, p.Asp3676= (NM_024582.6).
Identifiers: ClinVar variation 1652059 (VCV001652059.11), dbSNP rs553335263, ClinGen allele CA3073773.
Genomic context (GRCh38, chr4:125,452,044, plus strand): 5'-CAGCCTCTTCAGTATTCCAGGGGGTACTTGTGATCTGAATTCCCAGCCAAGGTCCACAGA[T>C]GGCACGTTTGATCTGACTGTCCTTAGCAATGATGGAGTTCACAGCACAGTCACGAGCAAC-3'
Protein context (NP_001278232.1, residues 3668-3688): CDLNSQPRST[Asp3678=]GTFDLTVLSN